The following is an entry in ClinVar:

ClinVar aggregate classification (germline): Benign. Review status: criteria provided, multiple submitters, no conflicts (2 of 4 stars). 2 submissions from 2 submitters: Benign (2). Last evaluated 2018-06-14.

Allele frequency attached by ClinVar (database versions not stated): 1000 Genomes Project 30x 0.28342; 1000 Genomes Project 0.29014; TOPMed 0.32423; gnomAD 0.34714 and 0.34858; gnomAD exomes 0.37013.
gnomAD v4.1: 197,408 of 542,316 alleles (36%); highest among the groups gnomAD compares: Middle Eastern, 48%; 38,971 homozygotes.

Submissions (2):

GeneDx
Classification: Benign. Last evaluated: 2018-06-14. Review status: criteria provided, single submitter. Criteria: GeneDx Variant Classification (06012015). Collection method: clinical testing. Allele origin: germline. Affected: yes.
Comment: This variant is considered likely benign or benign based on one or more of the following criteria: it is a conservative change, it occurs at a poorly conserved position in the protein, it is predicted to be benign by multiple in silico algorithms, and/or has population frequency not consistent with disease.

Breakthrough Genomics
Classification: Benign. Review status: criteria provided, single submitter. Criteria: ACMG Guidelines, 2015. Collection method: not provided. Allele origin: germline. Inheritance: Autosomal recessive inheritance. Affected: yes.

NM_001330078.2(NRXN1):c.2375-203A>G

Gene: NRXN1 (neurexin 1; minus strand). Cytogenetic location: 2p16.3.
Variant type: single nucleotide variant.
Coding change: c.2375-203A>G on transcript NM_001330078.2 (MANE Select); 203 bases into the intron before coding-DNA position 2375, A replaced by G.
Molecular consequence: intron variant.
Genome position (GRCh38, 1-based): chr2:50,506,820, T>C on the plus strand (A>G on the coding strand, the complement: NRXN1 is on the minus strand). VCF-style: chr2-50506820-T-C. GRCh37 (hg19) VCF-style: chr2-50733958-T-C.
Other names: c.2264-203A>G (NM_001330096.2, NM_001330087.2); c.2309-203A>G (NM_001330083.2, NM_001330084.2); c.2294-203A>G (NM_001330088.2); c.2372-203A>G (NM_001330093.2); c.2363-203A>G (NM_001330094.2); c.2324-203A>G (NM_001330095.2); c.2351-203A>G (NM_001330082.2, NM_001330077.2); c.2348-203A>G (NM_001330085.2); and 2 more.
Identifiers: ClinVar variation 667703 (VCV000667703.2), dbSNP rs7571753, ClinGen allele CA11012650.